The following is an entry in ClinVar:

NM_001364905.1(LRBA):c.7141G>A (p.Glu2381Lys)

Gene: LRBA (LPS responsive beige-like anchor protein; minus strand). Cytogenetic location: 4q31.3.
Variant type: single nucleotide variant.
Coding change: c.7141G>A on transcript NM_001364905.1 (MANE Select); coding-DNA position 7141, G replaced by A.
Protein change: p.Glu2381Lys; replaces glutamic acid 2381 with lysine.
Molecular consequence: missense variant.
Genome position (GRCh38, 1-based): chr4:150,415,491, C>T on the plus strand (G>A on the coding strand, the complement: LRBA is on the minus strand). VCF-style: chr4-150415491-C-T. GRCh37 (hg19) VCF-style: chr4-151336643-C-T.
Other names: c.7141G>A, p.Glu2381Lys (NM_001199282.3, NM_001367550.1); c.7174G>A, p.Glu2392Lys (NM_006726.5); short protein forms E2381K, E2392K.
Identifiers: ClinVar variation 1045165 (VCV001045165.7), dbSNP rs372702422, ClinGen allele CA3101723.

ClinVar aggregate classification (germline): Uncertain significance (1 of 4 stars; one submission).

Conditions:
Combined immunodeficiency due to LRBA deficiency. Also called: Common variable immunodeficiency 8, with autoimmunity. Identifiers: Orphanet 445018, MedGen C3553512, MONDO:0013863, OMIM 614700.

Allele frequency attached by ClinVar (database versions not stated): gnomAD exomes 0.00002 and 0.00004; gnomAD 0.00004; ExAC 0.00005; TOPMed 0.00006; ESP Exome Variant Server 0.00008.
gnomAD v4.1: 42 of 1,612,474 alleles (0.0026%); highest among the groups gnomAD compares: African/African-American, 0.016%; no homozygotes.

Submission:

Labcorp Genetics (formerly Invitae), Labcorp
Classification: Uncertain significance for Combined immunodeficiency due to LRBA deficiency. Last evaluated: 2025-10-08. Review status: criteria provided, single submitter. Criteria: Invitae Variant Classification Sherloc (09022015). Collection method: clinical testing. Allele origin: germline.
Comment: This sequence change replaces glutamic acid, which is acidic and polar, with lysine, which is basic and polar, at codon 2392 of the LRBA protein (p.Glu2392Lys). This variant is present in population databases (rs372702422, gnomAD 0.03%). This variant has not been reported in the literature in individuals affected with LRBA-related conditions. ClinVar contains an entry for this variant (Variation ID: 1045165). Invitae Evidence Modeling of protein sequence and biophysical properties (such as structural, functional, and spatial information, amino acid conservation, physicochemical variation, residue mobility, and thermodynamic stability) indicates that this missense variant is not expected to disrupt LRBA protein function with a negative predictive value of 80%. In summary, the available evidence is currently insufficient to determine the role of this variant in disease. Therefore, it has been classified as a Variant of Uncertain Significance.